The following is an entry in ClinVar:

NM_144772.3(NAXE):c.811T>C (p.Tyr271His)

Gene: NAXE (NAD(P)HX epimerase; plus strand). Cytogenetic location: 1q22.
Variant type: single nucleotide variant.
Coding change: c.811T>C on transcript NM_144772.3 (MANE Select); coding-DNA position 811, T replaced by C.
Protein change: p.Tyr271His; replaces tyrosine 271 with histidine.
Molecular consequence: missense variant.
Genome position (GRCh38, 1-based): chr1:156,594,028, T>C. VCF-style: chr1-156594028-T-C. GRCh37 (hg19) VCF-style: chr1-156563820-T-C.
Other names: short protein forms Y271H.
Identifiers: ClinVar variation 1392989 (VCV001392989.6), dbSNP rs775234340, ClinGen allele CA1162924.

ClinVar aggregate classification (germline): Uncertain significance (1 of 4 stars; one submission).

Allele frequency attached by ClinVar (database versions not stated): gnomAD exomes below 0.00001; ExAC 0.00001.

Submission:

Labcorp Genetics (formerly Invitae), Labcorp
Classification: Uncertain significance. Last evaluated: 2023-08-17. Review status: criteria provided, single submitter. Criteria: Invitae Variant Classification Sherloc (09022015). Collection method: clinical testing. Allele origin: germline.
Comment: This variant has not been reported in the literature in individuals affected with NAXE-related conditions. In summary, the available evidence is currently insufficient to determine the role of this variant in disease. Therefore, it has been classified as a Variant of Uncertain Significance. An algorithm developed to predict the effect of missense changes on protein structure and function (PolyPhen-2) suggests that this variant is likely to be disruptive. ClinVar contains an entry for this variant (Variation ID: 1392989). This variant is present in population databases (rs775234340, gnomAD 0.0009%). This sequence change replaces tyrosine, which is neutral and polar, with histidine, which is basic and polar, at codon 271 of the NAXE protein (p.Tyr271His).